The following is an entry in ClinVar:

ClinVar aggregate classification (germline): Likely benign. Review status: criteria provided, single submitter (1 of 4 stars). 2 submissions from 2 submitters: Likely benign (1). 1 of the submissions does not count toward it. Last evaluated 2017-09-13.

Conditions:
BDNF-related disorder. Also called: BDNF-related condition.

Allele frequency attached by ClinVar (database versions not stated): ExAC 0.00001; gnomAD exomes 0.00001 and 0.00002; gnomAD 0.00005 and 0.00006; TOPMed 0.00005.
gnomAD v4.1: 35 of 1,613,940 alleles (0.0022%); highest among the groups gnomAD compares: African/African-American, 0.012%; no homozygotes.

Submissions (2):

Labcorp Genetics (formerly Invitae), Labcorp
Classification: Likely benign. Last evaluated: 2017-09-13. Review status: criteria provided, single submitter. Criteria: Invitae Variant Classification Sherloc (09022015). Collection method: clinical testing. Allele origin: germline.

PreventionGenetics, part of Exact Sciences
Classification: Likely benign for BDNF-related condition. Last evaluated: 2021-11-12. Review status: no assertion criteria provided. Collection method: clinical testing. Allele origin: germline. Not counted in ClinVar's aggregate classification.
Comment: This variant is classified as likely benign based on ACMG/AMP sequence variant interpretation guidelines (Richards et al. 2015 PMID: 25741868, with internal and published modifications).

NM_001709.5(BDNF):c.417C>T (p.Ser139=)

Genes: BDNF (brain derived neurotrophic factor; minus strand), BDNF-AS (BDNF antisense RNA; plus strand). Cytogenetic location: 11p14.1.
Variant type: single nucleotide variant.
Coding change: c.417C>T on transcript NM_001709.5 (MANE Select); coding-DNA position 417, C replaced by T.
Protein change: p.Ser139=; no amino-acid change (serine 139 retained).
Molecular consequence: synonymous variant.
Genome position (GRCh38, 1-based): chr11:27,658,148, G>A on the plus strand (C>T on the coding strand, the complement: BDNF is on the minus strand). VCF-style: chr11-27658148-G-A. GRCh37 (hg19) VCF-style: chr11-27679695-G-A.
Other names: c.417C>T, p.Ser139= (NM_001143805.1, NM_001143806.1, NM_001143807.2 and 9 more transcripts); c.504C>T, p.Ser168= (NM_001143809.2); c.663C>T, p.Ser221= (NM_001143810.2); c.441C>T, p.Ser147= (NM_170731.5); c.462C>T, p.Ser154= (NM_170734.4); c.663C>T (NM_001143810.1).
Identifiers: ClinVar variation 709884 (VCV000709884.4), dbSNP rs760274076, ClinGen allele CA5929099.